The following is an entry in ClinVar:

ClinVar aggregate classification (germline): Pathogenic. Review status: criteria provided, single submitter (1 of 4 stars). 2 submissions from 2 submitters: Pathogenic (1). 1 of the submissions does not count toward it. Last evaluated 2019-06-11.

Conditions:
Bohring-Opitz syndrome. Also called: OPITZ TRIGONOCEPHALY-LIKE SYNDROME; C-LIKE SYNDROME; BOHRING SYNDROME; ASXL1-Related Bohring-Opitz Syndrome. Identifiers: Orphanet 97297, MedGen C0796232, MONDO:0011510, OMIM 605039.
Myelodysplastic syndrome (MDS). Also called: MYELODYSPLASTIC SYNDROME, SUSCEPTIBILITY TO; Myelodysplastic syndromes; Myelodysplastic syndrome, somatic. Identifiers: Orphanet 52688, MedGen C3463824, MeSH D009190, MONDO:0018881, OMIM 614286.

Submissions (2):

Institute of Human Genetics Munich, TUM University Hospital
Classification: Pathogenic for Bohring-Opitz syndrome. Last evaluated: 2019-06-11. Review status: criteria provided, single submitter. Criteria: Classification criteria August 2017. Collection method: clinical testing. Allele origin: de novo. Inheritance: Autosomal dominant inheritance. Affected: yes. Observed: 1 heterozygote.

Solve-RD Consortium
Classification: Likely pathogenic for Myelodysplastic syndrome. Last evaluated: 2022-06-01. Review status: no assertion criteria provided. Collection method: provider interpretation. Allele origin: inherited. Affected: yes. Not counted in ClinVar's aggregate classification.
Comment: Variant confirmed as disease-causing by referring clinical team

Variant identified during reanalysis of unsolved cases by the Solve-RD project. The Solve-RD project has received funding from the European Union’s Horizon 2020 research and innovation programme under grant agreement No 779257.

Literature cited by the submitters: PubMed 39825153 (cited by Solve-RD Consortium).

NM_015338.6(ASXL1):c.2036dup (p.Gly680fs)

Gene: ASXL1 (ASXL transcriptional regulator 1; plus strand). Cytogenetic location: 20q11.21.
Variant type: Duplication.
Coding change: c.2036dup on transcript NM_015338.6 (MANE Select); coding-DNA position 2036, one base duplicated (G; older notation c.2036dupG).
Protein change: p.Gly680fs; shifts the reading frame from glycine 680.
Molecular consequence: frameshift variant.
Genome position (GRCh38, 1-based): chr20:32,434,748, G duplicated; the last of 4 consecutive G bases (chr20:32,434,745-32,434,748); duplicating any one gives the same sequence. VCF-style (leftmost placement, unchanged base first): chr20-32434744-A-AG. GRCh37 (hg19) VCF-style: chr20-31022547-A-AG.
Other names: c.1853dup, p.Gly619fs (NM_001363734.1); short protein forms G619fs, G680fs.
Identifiers: ClinVar variation 807543 (VCV000807543.4), dbSNP rs1600586587, ClinGen allele CA915953156.